The following is an entry in ClinVar:

NM_170606.3(KMT2C):c.5758G>C (p.Ala1920Pro)

Gene: KMT2C (lysine methyltransferase 2C; minus strand). Cytogenetic location: 7q36.1.
Variant type: single nucleotide variant.
Coding change: c.5758G>C on transcript NM_170606.3 (MANE Select); coding-DNA position 5758, G replaced by C.
Protein change: p.Ala1920Pro; replaces alanine 1920 with proline.
Molecular consequence: missense variant.
Genome position (GRCh38, 1-based): chr7:152,182,102, C>G on the plus strand (G>C on the coding strand, the complement: KMT2C is on the minus strand). VCF-style: chr7-152182102-C-G. GRCh37 (hg19) VCF-style: chr7-151879187-C-G.
Other names: short protein forms A1920P.
Identifiers: ClinVar variation 1213400 (VCV001213400.3), dbSNP rs778087669, ClinGen allele CA370097944.

ClinVar aggregate classification (germline): Uncertain significance (1 of 4 stars; one submission).

Submission:

GeneDx
Classification: Uncertain significance. Last evaluated: 2019-08-27. Review status: criteria provided, single submitter. Criteria: GeneDx Variant Classification Process June 2021. Collection method: clinical testing. Allele origin: germline. Affected: yes.
Comment: Not observed in large population cohorts (Lek et al., 2016); In silico analysis, which includes protein predictors and evolutionary conservation, supports that this variant does not alter protein structure/function; Has not been previously published as pathogenic or benign to our knowledge